The following is an entry in ClinVar:

NM_000038.6(APC):c.422+19G>C

Gene: APC (APC regulator of Wnt signaling pathway; plus strand). Cytogenetic location: 5q22.2.
Variant type: single nucleotide variant.
Coding change: c.422+19G>C on transcript NM_000038.6 (MANE Select); 19 bases into the intron after coding-DNA position 422, G replaced by C.
Molecular consequence: intron variant.
Genome position (GRCh38, 1-based): chr5:112,767,409, G>C. VCF-style: chr5-112767409-G-C. GRCh37 (hg19) VCF-style: chr5-112103106-G-C.
Other names: c.422+19G>C (NM_001354895.2, NM_001127510.3, NM_001354896.2 and 2 more transcripts); c.452+19G>C (NM_001354897.2, NM_001354902.2, NM_001127511.3); c.347+19G>C (NM_001354898.2, NM_001354904.2); c.-614+19G>C (NM_001354906.2); c.245+19G>C (NM_001354900.2, NM_001354901.2, NM_001354905.2).
Identifiers: ClinVar variation 371943 (VCV000371943.14), dbSNP rs767046355, ClinGen allele CA038094.

ClinVar aggregate classification (germline): Likely benign. Review status: criteria provided, multiple submitters, no conflicts (2 of 4 stars). 5 submissions from 5 submitters: Likely benign (4). 1 of the submissions does not count toward it. Last evaluated 2026-02-06.

Conditions:
Familial adenomatous polyposis 1 (FAP1). Also called: POLYPOSIS, ADENOMATOUS INTESTINAL; FAMILIAL ADENOMATOUS POLYPOSIS 1, ATTENUATED. Identifiers: MedGen C2713442, MONDO:0021056, OMIM 175100. Disease mechanism: loss of function.
Hereditary cancer-predisposing syndrome. Also called: Neoplastic Syndromes, Hereditary; Hereditary neoplastic syndrome; Tumor predisposition; Hereditary Cancer Syndrome. Identifiers: Orphanet 140162, MedGen C0027672, MeSH D009386, MONDO:0015356.

Allele frequency attached by ClinVar (database versions not stated): ExAC 0.00003; gnomAD 0.00001; TOPMed 0.00001; gnomAD exomes 0.00002.
gnomAD v4.1: 42 of 1,576,514 alleles (0.0027%); highest among the groups gnomAD compares: Non-Finnish European, 0.0034%; no homozygotes.

Submissions (5):

Ambry Genetics
Classification: Likely benign for Hereditary cancer-predisposing syndrome. Last evaluated: 2026-02-06. Review status: criteria provided, single submitter. Criteria: Ambry Variant Classification Scheme 2023. Collection method: clinical testing. Allele origin: germline.

Labcorp Genetics (formerly Invitae), Labcorp
Classification: Likely benign for Familial adenomatous polyposis 1. Last evaluated: 2026-01-26. Review status: criteria provided, single submitter. Criteria: Invitae Variant Classification Sherloc (09022015). Collection method: clinical testing. Allele origin: germline.

Color Diagnostics, LLC DBA Color Health
Classification: Likely benign for Hereditary cancer-predisposing syndrome. Last evaluated: 2018-07-03. Review status: criteria provided, single submitter. Criteria: ACMG Guidelines, 2015. Collection method: clinical testing. Allele origin: germline.

GeneDx
Classification: Likely benign. Last evaluated: 2017-04-14. Review status: criteria provided, single submitter. Criteria: GeneDx Variant Classification (06012015). Collection method: clinical testing. Allele origin: germline. Affected: yes.
Comment: This variant is considered likely benign or benign based on one or more of the following criteria: it is a conservative change, it occurs at a poorly conserved position in the protein, it is predicted to be benign by multiple in silico algorithms, and/or has population frequency not consistent with disease.

Counsyl
Classification: Likely benign for Familial adenomatous polyposis 1. Last evaluated: 2016-09-02. Review status: no assertion criteria provided. Collection method: clinical testing. Allele origin: unknown. Not counted in ClinVar's aggregate classification.